The following is an entry in ClinVar:

ClinVar aggregate classification (germline): Uncertain significance (1 of 4 stars; one submission).

Conditions:
Polyglandular autoimmune syndrome, type 1 (APS1). Also called: AUTOIMMUNE POLYENDOCRINE SYNDROME, TYPE I, WITH OR WITHOUT REVERSIBLE METAPHYSEAL DYSPLASIA; Autoimmune polyendocrine syndrome type 1; PGA I; HYPOADRENOCORTICISM WITH HYPOPARATHYROIDISM AND SUPERFICIAL MONILIASIS; Whitaker syndrome; APS I. Identifiers: Orphanet 3453, MedGen C0085859, MONDO:0009411, OMIM 240300.

Submission:

Labcorp Genetics (formerly Invitae), Labcorp
Classification: Uncertain significance for Polyglandular autoimmune syndrome, type 1. Last evaluated: 2022-10-17. Review status: criteria provided, single submitter. Criteria: Invitae Variant Classification Sherloc (09022015). Collection method: clinical testing. Allele origin: germline.
Comment: This variant results in a copy number gain of the genomic region encompassing exon(s) 14 of the AIRE gene. This region includes the termination codon of the gene. This copy number gain extends beyond the assayed region for this gene and therefore may encompass additional genes. As the precise location of this event is unknown, it may be in tandem or it may be located elsewhere in the genome. This variant has not been reported in the literature in individuals affected with AIRE-related conditions. In summary, the available evidence is currently insufficient to determine the role of this variant in disease. Therefore, it has been classified as a Variant of Uncertain Significance.

NC_000021.8:g.(?_45717519)_(45717610_?)dup

Gene: AIRE (autoimmune regulator; plus strand). Cytogenetic location: 21q22.3.
Variant type: Duplication.
Identifiers: ClinVar variation 1035318 (VCV001035318.2).